The following is an entry in ClinVar:

NM_004104.5(FASN):c.3956T>C (p.Val1319Ala)

Gene: FASN (fatty acid synthase; minus strand). Cytogenetic location: 17q25.3.
Variant type: single nucleotide variant.
Coding change: c.3956T>C on transcript NM_004104.5 (MANE Select); coding-DNA position 3956, T replaced by C.
Protein change: p.Val1319Ala; replaces valine 1319 with alanine.
Molecular consequence: missense variant.
Genome position (GRCh38, 1-based): chr17:82,085,648, A>G on the plus strand (T>C on the coding strand, the complement: FASN is on the minus strand). VCF-style: chr17-82085648-A-G. GRCh37 (hg19) VCF-style: chr17-80043524-A-G.
Other names: short protein forms V1319A.
Identifiers: ClinVar variation 1357770 (VCV001357770.8), dbSNP rs2034084004, ClinGen allele CA401549533.

ClinVar aggregate classification (germline): Uncertain significance (1 of 4 stars; one submission).

Conditions:
Epileptic encephalopathy. Identifiers: MedGen C0543888, HP:0200134.

Allele frequency attached by ClinVar (database versions not stated): gnomAD exomes below 0.00001.

Submission:

Labcorp Genetics (formerly Invitae), Labcorp
Classification: Uncertain significance for Epileptic encephalopathy. Last evaluated: 2025-03-31. Review status: criteria provided, single submitter. Criteria: Invitae Variant Classification Sherloc (09022015). Collection method: clinical testing. Allele origin: germline.
Comment: This sequence change replaces valine, which is neutral and non-polar, with alanine, which is neutral and non-polar, at codon 1319 of the FASN protein (p.Val1319Ala). This variant is not present in population databases (gnomAD no frequency). This variant has not been reported in the literature in individuals affected with FASN-related conditions. ClinVar contains an entry for this variant (Variation ID: 1357770). An algorithm developed to predict the effect of missense changes on protein structure and function (PolyPhen-2) suggests that this variant is likely to be tolerated. In summary, the available evidence is currently insufficient to determine the role of this variant in disease. Therefore, it has been classified as a Variant of Uncertain Significance.